The following is an entry in ClinVar:

ClinVar aggregate classification (germline): Likely benign (1 of 4 stars; one submission).

Submission:

CeGaT Center for Human Genetics Tuebingen
Classification: Likely benign. Last evaluated: 2026-07-01. Review status: criteria provided, single submitter. Criteria: CeGaT Center For Human Genetics Tuebingen Variant Classification Criteria Version 2. Collection method: clinical testing. Allele origin: germline. Affected: yes. Observed: 2 variant alleles.
Comment: AHNAK2: BP4, BP7

NM_138420.4(AHNAK2):c.2715T>C (p.Pro905=)

Gene: AHNAK2 (AHNAK nucleoprotein 2; minus strand). Cytogenetic location: 14q32.33.
Variant type: single nucleotide variant.
Coding change: c.2715T>C on transcript NM_138420.4 (MANE Select); coding-DNA position 2715, T replaced by C.
Protein change: p.Pro905=; no amino-acid change (proline 905 retained).
Molecular consequence: synonymous variant.
Genome position (GRCh38, 1-based): chr14:104,952,736, A>G on the plus strand (T>C on the coding strand, the complement: AHNAK2 is on the minus strand). VCF-style: chr14-104952736-A-G. GRCh37 (hg19) VCF-style: chr14-105419073-A-G.
Other names: c.2415T>C, p.Pro805= (NM_001350929.2).
Identifiers: ClinVar variation 4533642 (VCV004533642.6).
Genomic context (GRCh38, chr14:104,952,736, plus strand): 5'-CTTGAAACTGGGCATCTCCACTTTGGGCAGGTGCACTTTGGGGCCGGCTCCCTCGGGCAC[A>G]GGGCCCTCCGGAAGTTTCACATCCACTTGGCCAGCCTGGACCTCCAGGTCAGCGGAAGGG-3'
Protein context (NP_612429.2, residues 895-915): GQVDVKLPEG[Pro905=]VPEGAGPKVH